The following is an entry in ClinVar:

NM_001382391.1(CSPP1):c.2686A>G (p.Arg896Gly)

Gene: CSPP1 (centrosome and spindle pole associated protein 1; plus strand). Cytogenetic location: 8q13.2.
Variant type: single nucleotide variant.
Coding change: c.2686A>G on transcript NM_001382391.1 (MANE Select); coding-DNA position 2686, A replaced by G.
Protein change: p.Arg896Gly; replaces arginine 896 with glycine.
Molecular consequence: missense variant.
Genome position (GRCh38, 1-based): chr8:67,163,774, A>G. VCF-style: chr8-67163774-A-G. GRCh37 (hg19) VCF-style: chr8-68076009-A-G.
Other names: c.1636A>G, p.Arg546Gly (NM_001291339.2); c.2605A>G, p.Arg869Gly (NM_001363131.2); c.2491A>G, p.Arg831Gly (NM_001363132.2); c.2410A>G, p.Arg804Gly (NM_001363133.2); c.2752A>G, p.Arg918Gly (NM_001364869.1); c.2572A>G, p.Arg858Gly (NM_001364870.1); c.2671A>G, p.Arg891Gly (NM_024790.7); short protein forms R546G, R804G, R831G, R896G, R918G, R858G, R869G, R891G.
Identifiers: ClinVar variation 1363945 (VCV001363945.8), dbSNP rs2129562479, ClinGen allele CA371192836.
Genomic context (GRCh38, chr8:67,163,774, plus strand): 5'-GTCATTATTGTTGAACAGGAAAGTTCCATGTCCAGGGCACAGTCACCCCCGGTACCTGCC[A>G]GGAAAAATCAGCTCCGTGCAGAAGGTAGAGTTAACTACTAAACCTGTTACCTAGAGTATT-3'
Protein context (NP_001369320.1, residues 886-906): SRAQSPPVPA[Arg896Gly]KNQLRAEEEK

ClinVar aggregate classification (germline): Uncertain significance (1 of 4 stars; one submission).

Conditions:
Joubert syndrome 21 (JBTS21). Identifiers: MedGen C3810212, MONDO:0014288, OMIM 615636.

gnomAD v4.1: 1 of 1,613,736 alleles (0.000062%); no homozygotes.

Submission:

Labcorp Genetics (formerly Invitae), Labcorp
Classification: Uncertain significance for Joubert syndrome 21. Last evaluated: 2024-10-25. Review status: criteria provided, single submitter. Criteria: Invitae Variant Classification Sherloc (09022015). Collection method: clinical testing. Allele origin: germline.
Comment: This sequence change replaces arginine, which is basic and polar, with glycine, which is neutral and non-polar, at codon 891 of the CSPP1 protein (p.Arg891Gly). This variant is not present in population databases (gnomAD no frequency). This variant has not been reported in the literature in individuals affected with CSPP1-related conditions. ClinVar contains an entry for this variant (Variation ID: 1363945). An algorithm developed to predict the effect of missense changes on protein structure and function (PolyPhen-2) suggests that this variant is likely to be disruptive. In summary, the available evidence is currently insufficient to determine the role of this variant in disease. Therefore, it has been classified as a Variant of Uncertain Significance.